The following is an entry in ClinVar:

ClinVar aggregate classification (germline): Uncertain significance (1 of 4 stars; one submission).

Conditions:
Idiopathic generalized epilepsy. Also called: EIG; Generalised epilepsy. Identifiers: MedGen C0270850, MONDO:0005579, OMIM 600669.
Hyperaldosteronism, familial, type IV (HALD4). Also called: FH IV; ALDOSTERONISM, PRIMARY, AND HYPERTENSION. Identifiers: Orphanet 642671, MedGen C4310756, MONDO:0014875, OMIM 617027.

Submission:

Labcorp Genetics (formerly Invitae), Labcorp
Classification: Uncertain significance for Idiopathic generalized epilepsy; Hyperaldosteronism, familial, type IV. Last evaluated: 2019-11-07. Review status: criteria provided, single submitter. Criteria: Invitae Variant Classification Sherloc (09022015). Collection method: clinical testing. Allele origin: germline.
Comment: In summary, the available evidence is currently insufficient to determine the role of this variant in disease. Therefore, it has been classified as a Variant of Uncertain Significance. Nucleotide substitutions within the consensus splice site are a relatively common cause of aberrant splicing (PMID: 17576681, 9536098). Algorithms developed to predict the effect of sequence changes on RNA splicing suggest that this variant is not likely to affect RNA splicing, but this prediction has not been confirmed by published transcriptional studies. This variant has not been reported in the literature in individuals with CACNA1H-related conditions. This variant is not present in population databases (ExAC no frequency). This sequence change falls in intron 23 of the CACNA1H gene. It does not directly change the encoded amino acid sequence of the CACNA1H protein, but it affects a nucleotide within the consensus splice site of the intron.

Literature cited by the submitters: PubMed 17576681; PubMed 9536098.

NM_021098.3(CACNA1H):c.4476+6C>T

Gene: CACNA1H (calcium voltage-gated channel subunit alpha1 H; plus strand). Cytogenetic location: 16p13.3.
Variant type: single nucleotide variant.
Coding change: c.4476+6C>T on transcript NM_021098.3 (MANE Select); 6 bases into the intron after coding-DNA position 4476, C replaced by T.
Molecular consequence: intron variant.
Genome position (GRCh38, 1-based): chr16:1,211,612, C>T. VCF-style: chr16-1211612-C-T. GRCh37 (hg19) VCF-style: chr16-1261612-C-T.
Other names: c.4476+6C>T (NM_001005407.2).
Identifiers: ClinVar variation 964560 (VCV000964560.9), dbSNP rs1969458295, ClinGen allele CA1139663444.